The following is an entry in ClinVar:

ClinVar aggregate classification (germline): Likely benign. Review status: criteria provided, multiple submitters, no conflicts (2 of 4 stars). 2 submissions from 2 submitters: Likely benign (2). Last evaluated 2024-10-15.

Conditions:
Hereditary diffuse gastric adenocarcinoma (HDGC). Also called: DIFFUSE GASTRIC AND LOBULAR BREAST CANCER SYNDROME. Identifiers: Orphanet 26106, MedGen C1708349, MONDO:0007648, OMIM 137215.

gnomAD v4.1: 3 of 1,610,378 alleles (0.00019%); highest among the groups gnomAD compares: African/African-American, 0.0013%; no homozygotes.

Submissions (2):

Myriad Genetics, Inc.
Classification: Likely benign for Hereditary diffuse gastric adenocarcinoma. Last evaluated: 2024-10-15. Review status: criteria provided, single submitter. Criteria: Myriad Autosomal Dominant, Autosomal Recessive and X-Linked Classification Criteria (2023). Collection method: clinical testing. Allele origin: unknown.
Comment: This variant is considered likely benign. This variant is intronic and is not expected to impact mRNA splicing.

Labcorp Genetics (formerly Invitae), Labcorp
Classification: Likely benign. Last evaluated: 2023-10-28. Review status: criteria provided, single submitter. Criteria: Invitae Variant Classification Sherloc (09022015). Collection method: clinical testing. Allele origin: germline.

NM_001903.5(CTNNA1):c.2434-14T>C

Gene: CTNNA1 (catenin alpha 1; plus strand). Cytogenetic location: 5q31.2.
Variant type: single nucleotide variant.
Coding change: c.2434-14T>C on transcript NM_001903.5 (MANE Select); 14 bases into the intron before coding-DNA position 2434, T replaced by C.
Molecular consequence: intron variant.
Genome position (GRCh38, 1-based): chr5:138,933,788, T>C. VCF-style: chr5-138933788-T-C. GRCh37 (hg19) VCF-style: chr5-138269477-T-C.
Other names: c.2434-14T>C (NM_001323982.2, NM_001323984.2, NM_001323983.1); c.2505-14T>C (NM_001290307.3); c.2434-41T>C (NM_001323985.2); c.2341-14T>C (NM_001323986.2); c.2065-14T>C (NM_001290310.3); c.2125-14T>C (NM_001290309.3); c.1324-14T>C (NM_001323996.1, NM_001323993.1, NM_001323998.1 and 12 more transcripts); c.1395-14T>C (NM_001324005.1, NM_001324003.1, NM_001324002.1 and 1 more transcripts); and 4 more.
Identifiers: ClinVar variation 1538109 (VCV001538109.9), dbSNP rs2150358040, ClinGen allele CA2573139167.